The following is an entry in ClinVar:

ClinVar aggregate classification (germline): Uncertain significance (1 of 4 stars; one submission).

Allele frequency attached by ClinVar (database versions not stated): TOPMed below 0.00001.
gnomAD v4.1: 3 of 1,608,932 alleles (0.00019%); highest among the groups gnomAD compares: Non-Finnish European, 0.00017%; no homozygotes.

Submission:

Labcorp Genetics (formerly Invitae), Labcorp
Classification: Uncertain significance. Last evaluated: 2024-10-03. Review status: criteria provided, single submitter. Criteria: Invitae Variant Classification Sherloc (09022015). Collection method: clinical testing. Allele origin: germline.
Comment: This sequence change replaces asparagine, which is neutral and polar, with serine, which is neutral and polar, at codon 1205 of the DCHS1 protein (p.Asn1205Ser). This variant is not present in population databases (gnomAD no frequency). This variant has not been reported in the literature in individuals affected with DCHS1-related conditions. Invitae Evidence Modeling of protein sequence and biophysical properties (such as structural, functional, and spatial information, amino acid conservation, physicochemical variation, residue mobility, and thermodynamic stability) indicates that this missense variant is not expected to disrupt DCHS1 protein function with a negative predictive value of 80%. In summary, the available evidence is currently insufficient to determine the role of this variant in disease. Therefore, it has been classified as a Variant of Uncertain Significance.

NM_003737.4(DCHS1):c.3614A>G (p.Asn1205Ser)

Gene: DCHS1 (dachsous cadherin-related 1; minus strand). Cytogenetic location: 11p15.4.
Variant type: single nucleotide variant.
Coding change: c.3614A>G on transcript NM_003737.4 (MANE Select); coding-DNA position 3614, A replaced by G.
Protein change: p.Asn1205Ser; replaces asparagine 1205 with serine.
Molecular consequence: missense variant.
Genome position (GRCh38, 1-based): chr11:6,631,677, T>C on the plus strand (A>G on the coding strand, the complement: DCHS1 is on the minus strand). VCF-style: chr11-6631677-T-C. GRCh37 (hg19) VCF-style: chr11-6652908-T-C.
Other names: short protein forms N1205S.
Identifiers: ClinVar variation 2875555 (VCV002875555.3), dbSNP rs1478721633, ClinGen allele CA379411509.